The following is an entry in ClinVar:

ClinVar aggregate classification (germline): Uncertain significance. Review status: criteria provided, multiple submitters, no conflicts (2 of 4 stars). 2 submissions from 2 submitters: Uncertain significance (2). Last evaluated 2025-12-12.

Conditions:
DICER1-related tumor predisposition. Also called: DICER1-related pleuropulmonary blastoma cancer predisposition syndrome; DICER1 syndrome. Identifiers: Orphanet 284343, MedGen C3839822, MONDO:0100216.
Hereditary cancer-predisposing syndrome. Also called: Hereditary neoplastic syndrome; Hereditary Cancer Syndrome; Tumor predisposition; Neoplastic Syndromes, Hereditary. Identifiers: Orphanet 140162, MedGen C0027672, MeSH D009386, MONDO:0015356.

Submissions (2):

Ambry Genetics
Classification: Uncertain significance for Hereditary cancer-predisposing syndrome. Last evaluated: 2025-12-12. Review status: criteria provided, single submitter. Criteria: Ambry Variant Classification Scheme 2023. Collection method: clinical testing. Allele origin: germline.
Comment: The p.R536S variant (also known as c.1606C>A), located in coding exon 9 of the DICER1 gene, results from a C to A substitution at nucleotide position 1606. The arginine at codon 536 is replaced by serine, an amino acid with dissimilar properties. This amino acid position is conserved. In addition, this alteration is predicted to be deleterious by in silico analysis. Based on the available evidence, the clinical significance of this variant remains unclear.

Labcorp Genetics (formerly Invitae), Labcorp
Classification: Uncertain significance for DICER1-related tumor predisposition. Last evaluated: 2024-10-23. Review status: criteria provided, single submitter. Criteria: Invitae Variant Classification Sherloc (09022015). Collection method: clinical testing. Allele origin: germline.
Comment: This sequence change replaces arginine, which is basic and polar, with serine, which is neutral and polar, at codon 536 of the DICER1 protein (p.Arg536Ser). This variant is not present in population databases (gnomAD no frequency). This variant has not been reported in the literature in individuals affected with DICER1-related conditions. ClinVar contains an entry for this variant (Variation ID: 969238). Invitae Evidence Modeling of protein sequence and biophysical properties (such as structural, functional, and spatial information, amino acid conservation, physicochemical variation, residue mobility, and thermodynamic stability) has been performed for this missense variant. However, the output from this modeling did not meet the statistical confidence thresholds required to predict the impact of this variant on DICER1 protein function. In summary, the available evidence is currently insufficient to determine the role of this variant in disease. Therefore, it has been classified as a Variant of Uncertain Significance.

NM_177438.3(DICER1):c.1606C>A (p.Arg536Ser)

Gene: DICER1 (dicer 1, ribonuclease III; minus strand). Cytogenetic location: 14q32.13.
Variant type: single nucleotide variant.
Coding change: c.1606C>A on transcript NM_177438.3 (MANE Select); coding-DNA position 1606, C replaced by A.
Protein change: p.Arg536Ser; replaces arginine 536 with serine.
Molecular consequence: missense variant.
Genome position (GRCh38, 1-based): chr14:95,116,599, G>T on the plus strand (C>A on the coding strand, the complement: DICER1 is on the minus strand). VCF-style: chr14-95116599-G-T. GRCh37 (hg19) VCF-style: chr14-95582936-G-T.
Other names: c.1606C>A, p.Arg536Ser (NM_001195573.1, NM_001271282.3, NM_001291628.2 and 1 more transcripts); short protein forms R536S.
Identifiers: ClinVar variation 969238 (VCV000969238.12), dbSNP rs1007754435, ClinGen allele CA390884973.
Genomic context (GRCh38, chr14:95,116,599, plus strand): 5'-GTGCCCTTGCTCTTCCTTTAGATTGAACATAGGATCGATATTCTGTGGGCAAATCAAAAC[G>T]AACCACCAAGTTGCATTTTGGTATATCAACACCCTCTTCTACAATACTTGTTGCAATAAG-3'
Protein context (NP_803187.1, residues 526-546): VDIPKCNLVV[Arg536Ser]FDLPTEYRSY